The following is an entry in ClinVar:

NM_020778.5(ALPK3):c.4863dup (p.Leu1622fs)

Gene: ALPK3 (alpha kinase 3; plus strand). Cytogenetic location: 15q25.3.
Variant type: Duplication.
Coding change: c.4863dup on transcript NM_020778.5 (MANE Select); coding-DNA position 4863, one base duplicated (G; older notation c.4863dupG).
Protein change: p.Leu1622fs; shifts the reading frame from leucine 1622.
Molecular consequence: frameshift variant.
Genome position (GRCh38, 1-based): chr15:84,868,201, G duplicated; the last of 4 consecutive G bases (chr15:84,868,198-84,868,201); duplicating any one gives the same sequence. VCF-style (leftmost placement, unchanged base first): chr15-84868197-T-TG. GRCh37 (hg19) VCF-style: chr15-85411428-T-TG.
Other names: c.5469dupG (NM_020778.4); short protein forms L1622fs.
Identifiers: ClinVar variation 524147 (VCV000524147.8), dbSNP rs1555436332, ClinGen allele CA658798415.

ClinVar aggregate classification (germline): Uncertain significance. Review status: criteria provided, multiple submitters, no conflicts (2 of 4 stars). 2 submissions from 2 submitters: Uncertain significance (2). Last evaluated 2024-03-11.

Submissions (2):

GeneDx
Classification: Uncertain significance. Last evaluated: 2024-03-11. Review status: criteria provided, single submitter. Criteria: GeneDx Variant Classification Process June 2021. Collection method: clinical testing. Allele origin: germline. Affected: yes.
Comment: Not observed at significant frequency in large population cohorts (gnomAD); Frameshift variant predicted to result in protein truncation as the last 84 amino acids are replaced with 19 different amino acids, although loss-of-function variants have not been reported downstream of this position in the protein; Has not been previously published as pathogenic or benign to our knowledge

Labcorp Genetics (formerly Invitae), Labcorp
Classification: Uncertain significance. Last evaluated: 2023-05-05. Review status: criteria provided, single submitter. Criteria: Invitae Variant Classification Sherloc (09022015). Collection method: clinical testing. Allele origin: germline.
Comment: This sequence change creates a premature translational stop signal (p.Leu1824Alafs*20) in the ALPK3 gene. While this is not anticipated to result in nonsense mediated decay, it is expected to disrupt the last 84 amino acid(s) of the ALPK3 protein. This variant is not present in population databases (gnomAD no frequency). This variant has not been reported in the literature in individuals affected with ALPK3-related conditions. ClinVar contains an entry for this variant (Variation ID: 524147). Experimental studies and prediction algorithms are not available or were not evaluated, and the functional significance of this variant is currently unknown. In summary, the available evidence is currently insufficient to determine the role of this variant in disease. Therefore, it has been classified as a Variant of Uncertain Significance.